The following is an entry in ClinVar:

GRCh37/hg19 Xq21.31-25(chrX:91274467-126799984)x1

Genes: ACSL4 (acyl-CoA synthetase long chain family member 4; minus strand), AGTR2 (angiotensin II receptor type 2; plus strand), AKAP14 (A-kinase anchoring protein 14; plus strand), ALG13 (ALG13 UDP-N-acetylglucosaminyltransferase subunit; plus strand), AMMECR1 (AMMECR nuclear protein 1; minus strand) and 172 more. Cytogenetic location: Xq21.31-25.
Variant type: copy number loss.
Change: copy number 1 of chrX:91,274,467-126,799,984 (35.53 Mb, GRCh37 coordinates, 1-based), cytogenetic band Xq21.31-25.
Identifiers: ClinVar variation 2685715 (VCV002685715.1).

ClinVar aggregate classification (germline): Pathogenic (1 of 4 stars; one submission).

Submission:

Quest Diagnostics Nichols Institute San Juan Capistrano
Classification: Pathogenic. Last evaluated: 2023-04-27. Review status: criteria provided, single submitter. Criteria: ACMG/ClinGen CNV Guidelines, 2019. Collection method: clinical testing. Allele origin: unknown.
Comment: The loss of Xq21.31q25 involves numerous protein-coding genes, including 15 haploinsufficient genes (Rehm 2015). Copy number losses within this Xq21.31q25 region are associated with a variety of phenotypic features (Gazou 2013, Qin 2022, Smetana 2021, Vincent 2012). There are no similar copy number losses of this region in the general populations of the Database of Genomic Variants. Thus, this copy number variant (CNV) is classified as pathogenic. References: Gazou et al., Am J Med Genet A. 2013 Apr;161A(4):860-4. PMID: 23520119 Qin et al., J Clin Res Pediatr Endocrinol. 2022 Aug 25;14(3):339-343. PMID: 33535730 Rehm et al., N Engl J Med. 2015 Jun 4;372(23):2235-42. PMID: 26014595 Smetana et al., Front Genet. 2021 Oct 29;12:750110. PMID: 34777475 Vincent et al., Clin Genet. 2012 Dec;82(6):540-5. PMID: 22091964